The following is an entry in ClinVar:

ClinVar aggregate classification (germline): Uncertain significance (1 of 4 stars; one submission).

Conditions:
Neutropenia, severe congenital, 1, autosomal dominant. Identifiers: MedGen C1859966, MONDO:0042490, OMIM 202700.
Cyclical neutropenia. Also called: Cyclic hematopoiesis; Cyclic Neutropenia. Identifiers: Orphanet 2686, MedGen C0221023, MONDO:0008090, OMIM 162800, HP:0040289. Disease mechanism: loss of function.

Submission:

Labcorp Genetics (formerly Invitae), Labcorp
Classification: Uncertain significance for Neutropenia, severe congenital, 1, autosomal dominant; Cyclical neutropenia. Last evaluated: 2023-07-12. Review status: criteria provided, single submitter. Criteria: Invitae Variant Classification Sherloc (09022015). Collection method: clinical testing. Allele origin: germline.
Comment: This sequence change replaces valine, which is neutral and non-polar, with methionine, which is neutral and non-polar, at codon 45 of the ELANE protein (p.Val45Met). This variant is not present in population databases (gnomAD no frequency). This missense change has been observed in individual(s) with severe congenital neutropenia (PMID: 17053055). This variant is also known as V16M. Advanced modeling of protein sequence and biophysical properties (such as structural, functional, and spatial information, amino acid conservation, physicochemical variation, residue mobility, and thermodynamic stability) performed at Invitae indicates that this missense variant is expected to disrupt ELANE protein function. In summary, the available evidence is currently insufficient to determine the role of this variant in disease. Therefore, it has been classified as a Variant of Uncertain Significance.

Literature cited by the submitters: PubMed 17053055.

NM_001972.4(ELANE):c.133G>A (p.Val45Met)

Gene: ELANE (elastase, neutrophil expressed; plus strand). Cytogenetic location: 19p13.3.
Variant type: single nucleotide variant.
Coding change: c.133G>A on transcript NM_001972.4 (MANE Select); coding-DNA position 133, G replaced by A.
Protein change: p.Val45Met; replaces valine 45 with methionine.
Molecular consequence: missense variant.
Genome position (GRCh38, 1-based): chr19:852,941, G>A. VCF-style: chr19-852941-G-A. GRCh37 (hg19) VCF-style: chr19-852941-G-A.
Other names: short protein forms V45M.
Identifiers: ClinVar variation 2925629 (VCV002925629.3), dbSNP rs1599290793, ClinGen allele CA402914523.